The following is an entry in ClinVar:

ClinVar aggregate classification (germline): Uncertain significance. Review status: criteria provided, multiple submitters, no conflicts (2 of 4 stars). 2 submissions from 2 submitters: Uncertain significance (2). Last evaluated 2025-08-05.

Conditions:
PDE10A-related disorder. Also called: PDE10A-related condition.

gnomAD v4.1: 3 of 780,924 alleles (0.00038%); highest among the groups gnomAD compares: Admixed American, 0.0051%; no homozygotes.

Submissions (2):

Dasa
Classification: Uncertain significance. Last evaluated: 2025-08-05. Review status: criteria provided, single submitter. Criteria: DASA Assertion Criteria. Collection method: clinical testing. Allele origin: germline.
Comment: NM_006661.4(PDE10A):c.7A>G (p.Ile3Val) is a missense variant that results in the substitution of isoleucine with valine. This variant is rare in population databases. Computational prediction algorithms are consistent with a benign effect. The currently available literature and clinical evidence are not sufficient to establish a definitive association between this variant and the reported condition. Therefore, this variant is classified as a variant of uncertain significance.

PreventionGenetics, part of Exact Sciences
Classification: Uncertain significance for PDE10A-related condition. Last evaluated: 2025-02-07. Review status: criteria provided, single submitter. Criteria: ACMG Guidelines, 2015. Collection method: clinical testing. Allele origin: germline.
Comment: The PDE10A c.7A>G variant is predicted to result in the amino acid substitution p.Ile3Val. To our knowledge, this variant has not been reported in the literature. This variant is reported in 0.0029% of alleles in individuals of Latino descent in gnomAD. At this time, the clinical significance of this variant is uncertain due to the absence of conclusive functional and genetic evidence.

NM_001385079.1(PDE10A):c.866-32874A>G

Gene: PDE10A (phosphodiesterase 10A; minus strand). Cytogenetic location: 6q27.
Variant type: single nucleotide variant.
Coding change: c.866-32874A>G on transcript NM_001385079.1 (MANE Select); 32874 bases into the intron before coding-DNA position 866, A replaced by G.
Molecular consequence: intron variant. On other transcripts: missense variant (1).
Genome position (GRCh38, 1-based): chr6:165,576,442, T>C on the plus strand (A>G on the coding strand, the complement: PDE10A is on the minus strand). VCF-style: chr6-165576442-T-C. GRCh37 (hg19) VCF-style: chr6-165989930-T-C.
Other names: c.7A>G, p.Ile3Val (NM_006661.4); c.68-32874A>G (NM_001130690.3); short protein forms I3V.
Identifiers: ClinVar variation 3357564 (VCV003357564.4).